The following is an entry in ClinVar:

ClinVar aggregate classification (germline): Uncertain significance. Review status: criteria provided, multiple submitters, no conflicts (2 of 4 stars). 2 submissions from 2 submitters: Uncertain significance (2). Last evaluated 2025-04-25.

Conditions:
Inborn genetic diseases. Identifiers: MedGen C0950123, MeSH D030342.

Allele frequency attached by ClinVar (database versions not stated): ExAC 0.00004; gnomAD 0.00009; 1000 Genomes Project 0.00020; gnomAD exomes 0.00027 and 0.00006; ESP Exome Variant Server 0.00008; TOPMed 0.00009; 1000 Genomes Project 30x 0.00016.
gnomAD v4.1: 408 of 1,614,070 alleles (0.025%); highest among the groups gnomAD compares: Non-Finnish European, 0.033%; no homozygotes.

Submissions (2):

Ambry Genetics
Classification: Uncertain significance for Inborn genetic diseases. Last evaluated: 2025-04-25. Review status: criteria provided, single submitter. Criteria: Ambry Variant Classification Scheme 2023. Collection method: clinical testing. Allele origin: germline.

GeneDx
Classification: Uncertain significance. Last evaluated: 2019-04-17. Review status: criteria provided, single submitter. Criteria: GeneDx Variant Classification Process June 2021. Collection method: clinical testing. Allele origin: germline. Affected: yes.
Comment: In silico analysis, which includes protein predictors and evolutionary conservation, supports that this variant does not alter protein structure/function; Has not been previously published as pathogenic or benign to our knowledge

NM_198129.4(LAMA3):c.7966G>A (p.Val2656Met)

Gene: LAMA3 (laminin subunit alpha 3; plus strand). Cytogenetic location: 18q11.2.
Variant type: single nucleotide variant.
Coding change: c.7966G>A on transcript NM_198129.4 (MANE Select); coding-DNA position 7966, G replaced by A.
Protein change: p.Val2656Met; replaces valine 2656 with methionine.
Molecular consequence: missense variant.
Genome position (GRCh38, 1-based): chr18:23,920,977, G>A. VCF-style: chr18-23920977-G-A. GRCh37 (hg19) VCF-style: chr18-21500941-G-A.
Other names: c.3139G>A, p.Val1047Met (NM_000227.6); c.7798G>A, p.Val2600Met (NM_001127717.4); c.2971G>A, p.Val991Met (NM_001127718.4); short protein forms V1047M, V2600M, V2656M, V991M.
Identifiers: ClinVar variation 1302514 (VCV001302514.3), dbSNP rs200425910, ClinGen allele CA8916800.